The following is an entry in ClinVar:

NM_000179.3(MSH6):c.1677C>T (p.Cys559=)

Gene: MSH6 (mutS homolog 6; plus strand). Cytogenetic location: 2p16.3.
Variant type: single nucleotide variant.
Coding change: c.1677C>T on transcript NM_000179.3 (MANE Select); coding-DNA position 1677, C replaced by T.
Protein change: p.Cys559=; no amino-acid change (cysteine 559 retained).
Molecular consequence: synonymous variant.
Genome position (GRCh38, 1-based): chr2:47,799,660, C>T. VCF-style: chr2-47799660-C-T. GRCh37 (hg19) VCF-style: chr2-48026799-C-T.
Other names: c.1287C>T, p.Cys429= (NM_001281492.2); c.771C>T, p.Cys257= (NM_001281493.2, NM_001281494.2).
Identifiers: ClinVar variation 89216 (VCV000089216.32), dbSNP rs63749893, ClinGen allele CA009065.
Genomic context (GRCh38, chr2:47,799,660, plus strand): 5'-TCTTAGCCTCAAAGAAAAAGAGGAAGATTCTTCTGGCCATACTCGTGCATATGGTGTGTG[C>T]TTTGTTGATACTTCACTGGGAAAGTTTTTCATAGGTCAGTTTTCAGATGATCGCCATTGT-3'
Protein context (NP_000170.1, residues 549-569): SSGHTRAYGV[Cys559=]FVDTSLGKFF

ClinVar aggregate classification (germline): Benign/Likely benign. Review status: criteria provided, multiple submitters, no conflicts (2 of 4 stars). 13 submissions from 13 submitters: Benign (1); Likely benign (11). 1 of the submissions does not count toward it. Last evaluated 2025-11-29.

Conditions:
MSH6-related disorder. Also called: MSH6-related condition; MSH6-Related disorders.
Hereditary nonpolyposis colorectal neoplasms. Identifiers: MedGen C0009405, MeSH D003123.
Breast and/or ovarian cancer. Identifiers: MedGen CN221562.
Hereditary cancer-predisposing syndrome. Also called: Hereditary Cancer Syndrome; Tumor predisposition; Neoplastic Syndromes, Hereditary; Hereditary neoplastic syndrome. Identifiers: Orphanet 140162, MedGen C0027672, MeSH D009386, MONDO:0015356.
Lynch syndrome. Identifiers: Orphanet 144, MedGen C4552100, MONDO:0005835. Disease mechanism: loss of function.
Lynch syndrome 5 (LYNCH5). Also called: Hereditary non-polyposis colorectal cancer, type 5; Colorectal cancer, hereditary nonpolyposis, type 5. Identifiers: Orphanet 144, MedGen C1833477, MONDO:0013710, OMIM 614350. Disease mechanism: loss of function.

Allele frequency attached by ClinVar (database versions not stated): ExAC 0.00001; gnomAD 0.00001; gnomAD exomes 0.00001 and 0.00002; TOPMed 0.00001.
gnomAD v4.1: 14 of 1,613,954 alleles (0.00087%); highest among the groups gnomAD compares: Admixed American, 0.0067%; no homozygotes.

Submissions (13):

Women's Health and Genetics/Laboratory Corporation of America, LabCorp
Classification: Likely benign. Last evaluated: 2025-11-29. Review status: criteria provided, single submitter. Criteria: LabCorp Variant Classification Summary - May 2015. Collection method: clinical testing. Allele origin: germline.

PreventionGenetics, part of Exact Sciences
Classification: Likely benign for MSH6-related condition. Last evaluated: 2025-11-25. Review status: criteria provided, single submitter. Criteria: ACMG Guidelines, 2015. Collection method: clinical testing. Allele origin: germline.
Comment: This variant is classified as likely benign based on ACMG/AMP sequence variant interpretation guidelines (Richards et al. 2015 PMID: 25741868, with internal and published modifications).

Labcorp Genetics (formerly Invitae), Labcorp
Classification: Likely benign for Hereditary nonpolyposis colorectal neoplasms. Last evaluated: 2025-11-10. Review status: criteria provided, single submitter. Criteria: Invitae Variant Classification Sherloc (09022015). Collection method: clinical testing. Allele origin: germline.

All of Us Research Program, National Institutes of Health
Classification: Likely benign for Lynch syndrome. Last evaluated: 2024-05-30. Review status: criteria provided, single submitter. Criteria: ACMG Guidelines, 2015. Collection method: clinical testing. Allele origin: germline. Inheritance: Autosomal dominant inheritance. Observed: 4 variant alleles, 4 heterozygotes.
Comment: This study involves interpretation of variants in research participants for the purpose of population health screening. Participant phenotype was not available at the time of variant classification. Additional details can be found in publication PMID: 35346344, PMCID: PMC8962531

Myriad Genetics, Inc.
Classification: Benign for Lynch syndrome 5. Last evaluated: 2023-03-30. Review status: criteria provided, single submitter. Criteria: Myriad Autosomal Dominant, Autosomal Recessive and X-Linked Classification Criteria (2023). Collection method: clinical testing. Allele origin: unknown.
Comment: This variant is considered benign. This variant is a silent/synonymous amino acid change and it is not expected to impact splicing.

CHEO Genetics Diagnostic Laboratory, Children's Hospital of Eastern Ontario
Classification: Likely benign for Breast and/or ovarian cancer. Last evaluated: 2023-01-04. Review status: criteria provided, single submitter. Criteria: ACMG Guidelines, 2015. Collection method: clinical testing. Allele origin: germline.

Department of Pathology and Laboratory Medicine, Sinai Health System
Classification: Likely benign for Lynch syndrome. Last evaluated: 2021-12-01. Review status: criteria provided, single submitter. Criteria: ACMG Guidelines, 2015. Collection method: clinical testing. Allele origin: germline. Affected: yes.

GeneDx
Classification: Likely benign. Last evaluated: 2021-05-10. Review status: criteria provided, single submitter. Criteria: GeneDx Variant Classification Process June 2021. Collection method: clinical testing. Allele origin: germline. Affected: yes.
Comment: This variant is associated with the following publications: (PMID: 16270383)

Sema4
Classification: Likely benign for Hereditary cancer-predisposing syndrome. Last evaluated: 2020-11-04. Review status: criteria provided, single submitter. Criteria: Sema4 Curation Guidelines. Collection method: curation. Allele origin: germline.

Quest Diagnostics Nichols Institute San Juan Capistrano
Classification: Likely benign. Last evaluated: 2019-12-12. Review status: criteria provided, single submitter. Criteria: Quest Diagnostics criteria. Collection method: clinical testing. Allele origin: unknown.

Color Diagnostics, LLC DBA Color Health
Classification: Likely benign for Hereditary cancer-predisposing syndrome. Last evaluated: 2016-12-19. Review status: criteria provided, single submitter. Criteria: ACMG Guidelines, 2015. Collection method: clinical testing. Allele origin: germline.

Ambry Genetics
Classification: Likely benign for Hereditary cancer-predisposing syndrome. Last evaluated: 2015-09-04. Review status: criteria provided, single submitter. Criteria: Ambry Variant Classification Scheme 2023. Collection method: clinical testing. Allele origin: germline.

Counsyl
Classification: Likely benign for Lynch syndrome 5. Last evaluated: 2018-02-13. Review status: no assertion criteria provided. Collection method: clinical testing. Allele origin: unknown. Not counted in ClinVar's aggregate classification.

Literature cited by the submitters: PubMed 16270383 (cited by 3 submitters).